The following is an entry in ClinVar:

ClinVar aggregate classification (germline): Uncertain significance. Review status: criteria provided, multiple submitters, no conflicts (2 of 4 stars). 2 submissions from 2 submitters: Uncertain significance (2). Last evaluated 2024-05-17.

Conditions:
Frasier syndrome. Identifiers: Orphanet 347, MedGen C0950122, MeSH D052159, MONDO:0007635, OMIM 136680.
Nephrotic syndrome, type 4 (NPHS4). Also called: Familial mesangial sclerosis; Nephrotic syndrome, early onset with diffuse mesangial sclerosis. Identifiers: Orphanet 656, MedGen C3151568, MONDO:0009733, OMIM 256370.
Drash syndrome (DDS). Also called: WILMS TUMOR AND PSEUDO- OR TRUE HERMAPHRODITISM; NEPHROPATHY, WILMS TUMOR, AND GENITAL ANOMALIES. Identifiers: Orphanet 220, MedGen C0950121, MONDO:0008682, OMIM 194080.
Meacham syndrome. Also called: Meacham Winn Culler syndrome. Identifiers: Orphanet 3097, MedGen C1837026, MONDO:0012164, OMIM 608978.
Wilms tumor 1 (WT1). Also called: Wilms tumor, somatic. Identifiers: Orphanet 654, MedGen CN033288, MONDO:0008679, OMIM 194070.
Mesothelioma, malignant (MESOM). Also called: Malignant mesothelioma (disease). Identifiers: Orphanet 50251, MedGen C0345967, MONDO:0006292, OMIM 156240, HP:0100001.

Submissions (2):

Fulgent Genetics
Classification: Uncertain significance for Frasier syndrome; Mesothelioma, malignant; Wilms tumor 1; Drash syndrome; Nephrotic syndrome, type 4; Meacham syndrome. Last evaluated: 2024-05-17. Review status: criteria provided, single submitter. Criteria: ACMG Guidelines, 2015. Collection method: clinical testing. Allele origin: germline.

All of Us Research Program, National Institutes of Health
Classification: Uncertain significance for Wilms tumor 1. Last evaluated: 2024-04-25. Review status: criteria provided, single submitter. Criteria: ACMG Guidelines, 2015. Collection method: clinical testing. Allele origin: germline. Inheritance: Autosomal dominant inheritance. Observed: 1 variant allele, 1 heterozygote.
Comment: This missense variant replaces arginine with tryptophan at codon 369 of the WT1 protein. To our knowledge, functional studies have not been reported for this variant. This variant has not been reported in individuals affected with WT1-related disorders in the literature. This variant has not been identified in the general population by the Genome Aggregation Database (gnomAD). The available evidence is insufficient to determine the role of this variant in disease conclusively. Therefore, this variant is classified as a Variant of Uncertain Significance.

This study involves interpretation of variants in research participants for the purpose of population health screening. Participant phenotype was not available at the time of variant classification. Additional details can be found in publication PMID: 35346344, PMCID: PMC8962531

NM_024426.6(WT1):c.1120_1122delinsTGG (p.Arg374Trp)

Gene: WT1 (WT1 transcription factor; minus strand). Cytogenetic location: 11p13.
Variant type: Indel.
Coding change: c.1120_1122delinsTGG on transcript NM_024426.6 (MANE Select); coding-DNA positions 1120 to 1122, CGA replaced by TGG.
Protein change: p.Arg374Trp; replaces arginine 374 with tryptophan.
Molecular consequence: missense variant. On other transcripts: 5 prime UTR variant (1), non-coding transcript variant (2).
Genome position (GRCh38, 1-based): chr11:32,396,399-32,396,401, TCG replaced by CCA on the plus strand (CGA replaced by TGG on the coding strand, the reverse complement: WT1 is on the minus strand). VCF-style: chr11-32396399-TCG-CCA. GRCh37 (hg19) VCF-style: chr11-32417945-TCG-CCA.
Other names: c.1069_1071delinsTGG, p.Arg357Trp (NM_000378.6, NM_001407045.1, NM_001407048.1 and 1 more transcripts); c.469_471delinsTGG, p.Arg157Trp (NM_001198551.2); c.418_420delinsTGG, p.Arg140Trp (NM_001198552.2); c.-69_-67delinsTGG (NM_001367854.1); c.1114_1116delinsTGG, p.Arg372Trp (NM_001407044.1); c.1120_1122delinsTGG, p.Arg374Trp (NM_001407046.1, NM_024424.5); c.997_999delinsTGG, p.Arg333Trp (NM_001407047.1); c.946_948delinsTGG, p.Arg316Trp (NM_001407050.1); and 3 more; short protein forms R120W, R140W, R157W, R284W, R301W, R316W, R333W, R357W.
Identifiers: ClinVar variation 3386196 (VCV003386196.2).